The following is an entry in ClinVar:

NM_001083116.3(PRF1):c.662C>T (p.Thr221Ile)

Gene: PRF1 (perforin 1; minus strand). Cytogenetic location: 10q22.1.
Variant type: single nucleotide variant.
Coding change: c.662C>T on transcript NM_001083116.3 (MANE Select); coding-DNA position 662, C replaced by T.
Protein change: p.Thr221Ile; replaces threonine 221 with isoleucine.
Molecular consequence: missense variant.
Genome position (GRCh38, 1-based): chr10:70,599,059, G>A on the plus strand (C>T on the coding strand, the complement: PRF1 is on the minus strand). VCF-style: chr10-70599059-G-A. GRCh37 (hg19) VCF-style: chr10-72358815-G-A.
Other names: c.662C>T, p.Thr221Ile (NM_005041.6); short protein forms T221I.
Identifiers: ClinVar variation 4709729 (VCV004709729.1).

ClinVar aggregate classification (germline): Pathogenic (1 of 4 stars; one submission).

Conditions:
Familial hemophagocytic lymphohistiocytosis 2 (FHL2). Also called: PRF1-Related Familial Hemophagocytic Lymphohistiocytosis (PRF1-fHLH). Identifiers: Orphanet 540, MedGen C1863727, MONDO:0011337, OMIM 603553.

Submission:

Labcorp Genetics (formerly Invitae), Labcorp
Classification: Pathogenic for Familial hemophagocytic lymphohistiocytosis 2. Last evaluated: 2025-07-15. Review status: criteria provided, single submitter. Criteria: Invitae Variant Classification Sherloc (09022015). Collection method: clinical testing. Allele origin: germline.
Comment: This sequence change replaces threonine, which is neutral and polar, with isoleucine, which is neutral and non-polar, at codon 221 of the PRF1 protein (p.Thr221Ile). This variant is not present in population databases (gnomAD no frequency). This missense change has been observed in individual(s) with hemophagocytic lymphohistiocytosis (PMID: 11565555; internal data). In at least one individual the data is consistent with being in trans (on the opposite chromosome) from a pathogenic variant. Invitae Evidence Modeling of protein sequence and biophysical properties (such as structural, functional, and spatial information, amino acid conservation, physicochemical variation, residue mobility, and thermodynamic stability) indicates that this missense variant is expected to disrupt PRF1 protein function with a positive predictive value of 95%. Experimental studies have shown that this missense change affects PRF1 function (PMID: 15755897). For these reasons, this variant has been classified as Pathogenic.

Literature cited by the submitters: PubMed 11565555; PubMed 15755897.